The following is an entry in ClinVar:

NM_002834.5(PTPN11):c.1189A>G (p.Thr397Ala)

Gene: PTPN11 (protein tyrosine phosphatase non-receptor type 11; plus strand). Cytogenetic location: 12q24.13.
Variant type: single nucleotide variant.
Coding change: c.1189A>G on transcript NM_002834.5 (MANE Select); coding-DNA position 1189, A replaced by G.
Protein change: p.Thr397Ala; replaces threonine 397 with alanine.
Molecular consequence: missense variant.
Genome position (GRCh38, 1-based): chr12:112,482,170, A>G. VCF-style: chr12-112482170-A-G. GRCh37 (hg19) VCF-style: chr12-112919974-A-G.
Other names: c.1189A>G, p.Thr397Ala (NM_001330437.2, NM_080601.3); c.1186A>G, p.Thr396Ala (NM_001374625.1); short protein forms T396A, T397A.
Identifiers: ClinVar variation 2575568 (VCV002575568.1), dbSNP rs2540457143, ClinGen allele CA386775998.
Genomic context (GRCh38, chr12:112,482,170, plus strand): 5'-CTAAAAGAATATGGCGTCATGCGTGTTAGGAACGTCAAAGAAAGCGCCGCTCATGACTAT[A>G]CGCTAAGAGAACTTAAACTTTCAAAGGTTGGACAAGTAAGTATATTGTCGTATTCTAGAG-3'
Protein context (NP_002825.3, residues 387-407): NVKESAAHDY[Thr397Ala]LRELKLSKVG

ClinVar aggregate classification (germline): Uncertain significance (1 of 4 stars; one submission).

Submission:

GeneDx
Classification: Uncertain significance. Last evaluated: 2023-02-08. Review status: criteria provided, single submitter. Criteria: GeneDx Variant Classification Process June 2021. Collection method: clinical testing. Allele origin: germline. Affected: yes.
Comment: Not observed at significant frequency in large population cohorts (gnomAD); Missense variants in this gene are often considered pathogenic (HGMD); In silico analysis supports that this missense variant does not alter protein structure/function; Has not been previously published as pathogenic or benign to our knowledge; This variant is associated with the following publications: (PMID: 29493581)